The following is an entry in ClinVar:

ClinVar aggregate classification (germline): Uncertain significance (1 of 4 stars; one submission).

Conditions:
Combined immunodeficiency due to LRBA deficiency. Also called: Common variable immunodeficiency 8, with autoimmunity. Identifiers: Orphanet 445018, MedGen C3553512, MONDO:0013863, OMIM 614700.

Submission:

Labcorp Genetics (formerly Invitae), Labcorp
Classification: Uncertain significance for Combined immunodeficiency due to LRBA deficiency. Last evaluated: 2021-12-18. Review status: criteria provided, single submitter. Criteria: Invitae Variant Classification Sherloc (09022015). Collection method: clinical testing. Allele origin: germline.
Comment: This sequence change replaces arginine, which is basic and polar, with methionine, which is neutral and non-polar, at codon 1043 of the LRBA protein (p.Arg1043Met). This variant is not present in population databases (gnomAD no frequency). This variant has not been reported in the literature in individuals affected with LRBA-related conditions. ClinVar contains an entry for this variant (Variation ID: 947959). Algorithms developed to predict the effect of missense changes on protein structure and function output the following: SIFT: "Tolerated"; PolyPhen-2: "Benign"; Align-GVGD: "Class C0". The methionine amino acid residue is found in multiple mammalian species, which suggests that this missense change does not adversely affect protein function. In summary, the available evidence is currently insufficient to determine the role of this variant in disease. Therefore, it has been classified as a Variant of Uncertain Significance.

NM_001364905.1(LRBA):c.3128G>T (p.Arg1043Met)

Gene: LRBA (LPS responsive beige-like anchor protein; minus strand). Cytogenetic location: 4q31.3.
Variant type: single nucleotide variant.
Coding change: c.3128G>T on transcript NM_001364905.1 (MANE Select); coding-DNA position 3128, G replaced by T.
Protein change: p.Arg1043Met; replaces arginine 1043 with methionine.
Molecular consequence: missense variant.
Genome position (GRCh38, 1-based): chr4:150,852,582, C>A on the plus strand (G>T on the coding strand, the complement: LRBA is on the minus strand). VCF-style: chr4-150852582-C-A. GRCh37 (hg19) VCF-style: chr4-151773734-C-A.
Other names: c.3128G>T, p.Arg1043Met (NM_001199282.3, NM_001367550.1, NM_006726.5); short protein forms R1043M.
Identifiers: ClinVar variation 947959 (VCV000947959.7), dbSNP rs1750741299, ClinGen allele CA358459470.